The following is an entry in ClinVar:

NM_014639.4(SKIC3):c.3775A>G (p.Ile1259Val)

Gene: SKIC3 (SKI3 subunit of superkiller complex; minus strand). Cytogenetic location: 5q15.
Variant type: single nucleotide variant.
Coding change: c.3775A>G on transcript NM_014639.4 (MANE Select); coding-DNA position 3775, A replaced by G.
Protein change: p.Ile1259Val; replaces isoleucine 1259 with valine.
Molecular consequence: missense variant.
Genome position (GRCh38, 1-based): chr5:95,494,709, T>C on the plus strand (A>G on the coding strand, the complement: SKIC3 is on the minus strand). VCF-style: chr5-95494709-T-C. GRCh37 (hg19) VCF-style: chr5-94830413-T-C.
Other names: short protein forms I1259V.
Identifiers: ClinVar variation 2101328 (VCV002101328.4), dbSNP rs1271826365, ClinGen allele CA360448842.

ClinVar aggregate classification (germline): Uncertain significance (1 of 4 stars; one submission).

Allele frequency attached by ClinVar (database versions not stated): gnomAD 0.00001; gnomAD exomes 0.00001; TOPMed 0.00001.
gnomAD v4.1: 15 of 1,613,664 alleles (0.00093%); highest among the groups gnomAD compares: Admixed American, 0.0017%; no homozygotes.

Submission:

Labcorp Genetics (formerly Invitae), Labcorp
Classification: Uncertain significance. Last evaluated: 2024-01-19. Review status: criteria provided, single submitter. Criteria: Invitae Variant Classification Sherloc (09022015). Collection method: clinical testing. Allele origin: germline.
Comment: This sequence change replaces isoleucine, which is neutral and non-polar, with valine, which is neutral and non-polar, at codon 1259 of the TTC37 protein (p.Ile1259Val). This variant is present in population databases (no rsID available, gnomAD 0.0009%). This variant has not been reported in the literature in individuals affected with TTC37-related conditions. ClinVar contains an entry for this variant (Variation ID: 2101328). An algorithm developed to predict the effect of missense changes on protein structure and function (PolyPhen-2) suggests that this variant is likely to be tolerated. In summary, the available evidence is currently insufficient to determine the role of this variant in disease. Therefore, it has been classified as a Variant of Uncertain Significance.